The following is an entry in ClinVar:

ClinVar aggregate classification (germline): Uncertain significance. Review status: criteria provided, multiple submitters, no conflicts (2 of 4 stars). 2 submissions from 2 submitters: Uncertain significance (2). Last evaluated 2023-12-05.

Conditions:
Hereditary cancer-predisposing syndrome. Also called: Hereditary Cancer Syndrome; Neoplastic Syndromes, Hereditary; Tumor predisposition; Hereditary neoplastic syndrome. Identifiers: Orphanet 140162, MedGen C0027672, MeSH D009386, MONDO:0015356.
Juvenile polyposis syndrome (JPS). Identifiers: Orphanet 2929, MedGen C0345893, MONDO:0017380, OMIM 174900.

Submissions (2):

Color Diagnostics, LLC DBA Color Health
Classification: Uncertain significance for Hereditary cancer-predisposing syndrome. Last evaluated: 2023-12-05. Review status: criteria provided, single submitter. Criteria: ACMG Guidelines, 2015. Collection method: clinical testing. Allele origin: germline.
Comment: This missense variant replaces threonine with serine at codon 194 of the SMAD4 protein. Computational prediction suggests that this variant may not impact protein structure and function (internally defined REVEL score threshold <= 0.5, PMID: 27666373). To our knowledge, functional studies have not been reported for this variant. This variant has not been reported in individuals affected with SMAD4-related disorders in the literature. This variant has not been identified in the general population by the Genome Aggregation Database (gnomAD). The available evidence is insufficient to determine the role of this variant in disease conclusively. Therefore, this variant is classified as a Variant of Uncertain Significance.

Labcorp Genetics (formerly Invitae), Labcorp
Classification: Uncertain significance for Juvenile polyposis syndrome. Last evaluated: 2022-12-31. Review status: criteria provided, single submitter. Criteria: Invitae Variant Classification Sherloc (09022015). Collection method: clinical testing. Allele origin: germline.
Comment: In summary, the available evidence is currently insufficient to determine the role of this variant in disease. Therefore, it has been classified as a Variant of Uncertain Significance. Advanced modeling of protein sequence and biophysical properties (such as structural, functional, and spatial information, amino acid conservation, physicochemical variation, residue mobility, and thermodynamic stability) performed at Invitae indicates that this missense variant is not expected to disrupt SMAD4 protein function. ClinVar contains an entry for this variant (Variation ID: 631195). This variant has not been reported in the literature in individuals affected with SMAD4-related conditions. This variant is not present in population databases (gnomAD no frequency). This sequence change replaces threonine, which is neutral and polar, with serine, which is neutral and polar, at codon 194 of the SMAD4 protein (p.Thr194Ser).

NM_005359.6(SMAD4):c.580A>T (p.Thr194Ser)

Gene: SMAD4 (SMAD family member 4; plus strand). Cytogenetic location: 18q21.2.
Variant type: single nucleotide variant.
Coding change: c.580A>T on transcript NM_005359.6 (MANE Select); coding-DNA position 580, A replaced by T.
Protein change: p.Thr194Ser; replaces threonine 194 with serine.
Molecular consequence: missense variant.
Genome position (GRCh38, 1-based): chr18:51,054,906, A>T. VCF-style: chr18-51054906-A-T. GRCh37 (hg19) VCF-style: chr18-48581276-A-T.
Other names: short protein forms T194S.
Identifiers: ClinVar variation 631195 (VCV000631195.8), dbSNP rs1432058632, ClinGen allele CA402461042.
Genomic context (GRCh38, chr18:51,054,906, plus strand): 5'-ACTGAAGGACATTCAATTCAAACCATCCAGCATCCACCAAGTAATCGTGCATCGACAGAG[A>T]CATACAGCACCCCAGCTCTGTTAGCCCCATCTGAGTCTAATGCTACCAGCACTGCCAACT-3'
Protein context (NP_005350.1, residues 184-204): HPPSNRASTE[Thr194Ser]YSTPALLAPS